The following is an entry in ClinVar:

ClinVar aggregate classification (germline): Pathogenic. Review status: criteria provided, multiple submitters, no conflicts (2 of 4 stars). 12 submissions from 11 submitters: Pathogenic (9). 3 of the submissions do not count toward it. Last evaluated 2026-01-20.

Conditions:
Mevalonic aciduria (MEVA). Identifiers: Orphanet 29, MedGen C1959626, MONDO:0012481, OMIM 610377.
Hyperimmunoglobulin D with periodic fever (HIDS). Also called: HYPERIMMUNOGLOBULINEMIA D AND PERIODIC FEVER SYNDROME; Hyperimmunoglobulinemia D; Hyperimmunoglobulinemia D with periodic fever. Identifiers: Orphanet 343, MedGen C0398691, MONDO:0009849, OMIM 260920.
MVK-related disorder. Also called: MVK-related disorders; MVK-related condition. Identifiers: MedGen CN239294.
Retinal dystrophy. Also called: Inherited retinal dystrophy. Identifiers: Orphanet 71862, MedGen C0854723, MeSH D058499, MONDO:0019118, HP:0000556.
Porokeratosis 3, disseminated superficial actinic type (POROK3). Also called: POROKERATOSIS, DISSEMINATED SUPERFICIAL ACTINIC, 1; POROKERATOSIS 3, MULTIPLE TYPES; POROKERATOSIS 3, MIBELLI TYPE. Identifiers: MedGen C1867981, MONDO:0008293, OMIM 175900.

Allele frequency attached by ClinVar (database versions not stated): gnomAD 0.00006; TOPMed 0.00008; gnomAD exomes 0.00010 and 0.00013; ExAC 0.00014.

Submissions (12):

Labcorp Genetics (formerly Invitae), Labcorp
Classification: Pathogenic for Mevalonic aciduria; Hyperimmunoglobulin D with periodic fever; Porokeratosis 3, disseminated superficial actinic type. Last evaluated: 2026-01-20. Review status: criteria provided, single submitter. Criteria: Invitae Variant Classification Sherloc (09022015). Collection method: clinical testing. Allele origin: germline.
Comment: This sequence change replaces alanine, which is neutral and non-polar, with threonine, which is neutral and polar, at codon 334 of the MVK protein (p.Ala334Thr). This variant is present in population databases (rs104895317, gnomAD 0.02%). This missense change has been observed in individual(s) with mevalonate kinase deficiency and retinitis pigmentosa (PMID: 9334262, 10401001, 12563048, 16435210, 19786432, 24084495, 28095071). It has also been observed to segregate with disease in related individuals. ClinVar contains an entry for this variant (Variation ID: 11930). Invitae Evidence Modeling of protein sequence and biophysical properties (such as structural, functional, and spatial information, amino acid conservation, physicochemical variation, residue mobility, and thermodynamic stability) indicates that this missense variant is expected to disrupt MVK protein function with a positive predictive value of 95%. Experimental studies have shown that this missense change affects MVK function (PMID: 9334262). For these reasons, this variant has been classified as Pathogenic.

Dasa
Classification: Pathogenic. Last evaluated: 2025-08-11. Review status: criteria provided, single submitter. Criteria: DASA Assertion Criteria. Collection method: clinical testing. Allele origin: germline.
Comment: NM_000431.4(MVK):c.1000G>A (p.Ala334Thr) is a missense variant that results in the substitution of alanine with threonine. Segregation data support an association with disease in the reported family/families (PMID: 9334262; PMID: 10401001; PMID: 12563048; PMID: 16435210; PMID: 19786432). This variant has been recurrently observed in individuals with MVK-related disorders (PMID: 9334262; PMID: 10401001; PMID: 12563048; PMID: 16435210; PMID: 19786432). Functional evidence supports an impact on the gene or gene product (PMID: 40717084; PMID: 36636591; PMID: 34145613; PMID: 24084495). Also, this variant is rare in population databases. Computational evidence supports a deleterious effect. Based on the currently available evidence, this variant is classified as pathogenic.

Institute of Human Genetics, University of Leipzig Medical Center
Classification: Pathogenic for Hyperimmunoglobulin D with periodic fever. Last evaluated: 2025-03-04. Review status: criteria provided, single submitter. Criteria: ACMG Guidelines, 2015. Collection method: clinical testing. Allele origin: unknown. Inheritance: Autosomal recessive inheritance. Affected: yes.
Comment: Criteria applied: PM3_STR,PP4_STR,PM2,PP3

Fulgent Genetics
Classification: Pathogenic for Porokeratosis 3, disseminated superficial actinic type; Hyperimmunoglobulin D with periodic fever; Mevalonic aciduria. Last evaluated: 2024-04-24. Review status: criteria provided, single submitter. Criteria: ACMG Guidelines, 2015. Collection method: clinical testing. Allele origin: germline.

Blueprint Genetics
Classification: Pathogenic for MVK-related disorders. Last evaluated: 2023-08-31. Review status: criteria provided, single submitter. Criteria: ACMG Guidelines, 2015. Collection method: clinical testing. Allele origin: germline. Affected: yes. Observed: 5 variant alleles.

Genetic Services Laboratory, University of Chicago
Classification: Pathogenic. Last evaluated: 2023-07-12. Review status: criteria provided, single submitter. Criteria: ACMG Guidelines, 2015. Collection method: clinical testing. Allele origin: germline. Affected: yes.
Comment: DNA sequence analysis of the MVK gene demonstrated a sequence change, c.1000G>A, in exon 10 that results in an amino acid change, p.Ala334Thr. The p.Ala334Thr change affects a highly conserved amino acid residue located in a domain of the MVK protein that is known to be functional. The p.Ala334Thr substitution appears to be deleterious using several in-silico pathogenicity prediction tools (SIFT, PolyPhen2, Align GVGD, REVEL). This pathogenic sequence change has previously been described in the bi-allelic state in multiple individuals with MVK-related disorders (PMID: 16435210, 34145613, 36636591, 12563048). In vitro functional studies of this variant indicate that this sequence change leads to reduced enzymatic activity (PMID: 9334262). This sequence change has been described in the gnomAD database with a frequency of 0.009% in the overall population (dbSNP rs104895317). The p.Ala334Thr amino acid change occurs in a region of the MVK gene where other missense sequence changes have been described in individuals with MVK-related disorders. Collectively, this evidence indicates that this sequence change is pathogenic.

ARUP Laboratories, Molecular Genetics and Genomics, ARUP Laboratories
Classification: Pathogenic. Last evaluated: 2022-04-30. Review status: criteria provided, single submitter. Criteria: ARUP Molecular Germline Variant Investigation Process 2021. Collection method: clinical testing. Allele origin: germline.
Comment: The MVK c.1000G>A; p.Ala334Thr variant (rs104895317) is reported in the literature in the homozygous or compound heterozygous state in multiple individuals affected with mevalonate kinase deficiency (Balgobind 2005, Brennenstuhl 2021, Gattorno 2009, Hinson 1997, Prietsch 2003, Siemiatkowska 2013). This variant is found in the non-Finnish European population with an allele frequency of 0.02% (22/128940 alleles) in the Genome Aggregation Database. The alanine at codon 334 is highly conserved, and computational analyses predict that this variant is deleterious (REVEL: 0.862). Consistent with these predictions, functional studies indicate the variant protein has reduced enzymatic activity in vitro and in patient cells (Hinson 1997). Based on available information, this variant is considered to be pathogenic. References: Balgobind B et al. Retinitis pigmentosa in mevalonate kinase deficiency. J Inherit Metab Dis. 2005;28(6):1143-5. PMID: 16435210. Brennenstuhl et al. Phenotypic diversity, disease progression, and pathogenicity of MVK missense variants in mevalonic aciduria. J Inherit Metab Dis. 2021 Sep;44(5):1272-1287. PMID: 34145613 Gattorno M et al. Differentiating PFAPA syndrome from monogenic periodic fevers. Pediatrics. 2009 Oct;124(4):e721-8. PMID: 1978643 Hinson DD et al. Identification of an active site alanine in mevalonate kinase through characterization of a novel mutation in mevalonate kinase deficiency. J Biol Chem. 1997 Oct 17;272(42):26756-60. PMID: 9334262. Prietsch V et al. Mevalonate kinase deficiency: enlarging the clinical and biochemical spectrum. Pediatrics. 2003 Feb;111(2):258-61. PMID: 12563048. Siemiatkowska AM et al. Mutations in the mevalonate kinase (MVK) gene cause nonsyndromic retinitis pigmentosa. Ophthalmology. 2013 Dec;120(12):2697-2705. PMID: 24084495.

Institute of Human Genetics, Univ. Regensburg, Univ. Regensburg
Classification: Pathogenic for Retinal dystrophy. Last evaluated: 2020-01-01. Review status: criteria provided, single submitter. Criteria: ACMG Guidelines, 2015. Collection method: clinical testing. Allele origin: germline. Affected: yes.

Juno Genomics, Hangzhou Juno Genomics, Inc
Classification: Pathogenic for Hyperimmunoglobulin D with periodic fever; Mevalonic aciduria. Review status: criteria provided, single submitter. Criteria: ACMG Guidelines, 2015. Collection method: clinical testing. Allele origin: germline. Affected: yes.
Comment: Absent from controls (or at extremely low frequency if recessive) in Genome Aggregation Database, Exome Sequencing Project, 1000 Genomes Project, or Exome Aggregation Consortium.;Well-established in vitro or in vivo functional studies supportive of a damaging effect on the gene or gene product.;For recessive disorders, detected in trans with a pathogenic variant.;Patient's phenotype or family history is highly specific for a disease with a single genetic etiology.;Co-segregation with disease in multiple affected family members in a gene definitively known to cause the disease.

OMIM
Classification: Pathogenic for MEVALONIC ACIDURIA. Last evaluated: 2013-12-01. Review status: no assertion criteria provided. Collection method: literature only. Allele origin: germline. Not counted in ClinVar's aggregate classification.

OMIM
Classification: Pathogenic for HYPER-IgD SYNDROME. Last evaluated: 2013-12-01. Review status: no assertion criteria provided. Collection method: literature only. Allele origin: germline. Not counted in ClinVar's aggregate classification.

Unité médicale des maladies autoinflammatoires, CHRU Montpellier
No classification provided. Condition: Hyperimmunoglobulin D with periodic fever. Review status: no classification provided. Collection method: not provided. Allele origin: unknown. Not counted in ClinVar's aggregate classification.
Comment: also involved in OMIM 25117

Literature cited by the submitters: PubMed 9334262 (cited by 3 submitters); PubMed 10401001 (cited by 3 submitters); PubMed 12563048 (cited by 4 submitters); PubMed 16435210 (cited by 4 submitters); PubMed 19786432 (cited by Labcorp Genetics (formerly Invitae), Labcorp and Dasa); PubMed 24084495 (cited by 4 submitters); PubMed 28095071 (cited by Labcorp Genetics (formerly Invitae), Labcorp and Dasa); PubMed 40717084 (cited by Dasa); PubMed 36636591 (cited by Dasa and Institute of Human Genetics, Univ. Regensburg, Univ. Regensburg); PubMed 34145613 (cited by Dasa and Institute of Human Genetics, Univ. Regensburg, Univ. Regensburg); PubMed 31589614 (cited by Institute of Human Genetics, Univ. Regensburg, Univ. Regensburg); PubMed 31964843 (cited by Institute of Human Genetics, Univ. Regensburg, Univ. Regensburg); PubMed 33072517 (cited by Institute of Human Genetics, Univ. Regensburg, Univ. Regensburg); PubMed 8386351 (cited by OMIM).

NM_000431.4(MVK):c.1000G>A (p.Ala334Thr)

Gene: MVK (mevalonate kinase; plus strand). Cytogenetic location: 12q24.11.
Variant type: single nucleotide variant.
Coding change: c.1000G>A on transcript NM_000431.4 (MANE Select); coding-DNA position 1000, G replaced by A.
Protein change: p.Ala334Thr; replaces alanine 334 with threonine.
Molecular consequence: missense variant.
Genome position (GRCh38, 1-based): chr12:109,595,142, G>A. VCF-style: chr12-109595142-G-A. GRCh37 (hg19) VCF-style: chr12-110032947-G-A.
Other names: c.1000G>A, p.Ala334Thr (LRG_156t1, NM_001114185.3); c.844G>A, p.Ala282Thr (NM_001301182.2); short protein forms A334T, A282T.
Identifiers: ClinVar variation 11930 (VCV000011930.23), dbSNP rs104895317, ClinGen allele CA121778.